The following is an entry in ClinVar:

ClinVar aggregate classification (germline): Uncertain significance (1 of 4 stars; one submission).

Conditions:
Hypertrophic cardiomyopathy. Also called: HYPERTROPHIC MYOCARDIOPATHY. Identifiers: Orphanet 217569, MedGen C0007194, MeSH D002312, MONDO:0005045, HP:0001639.

Submission:

Labcorp Genetics (formerly Invitae), Labcorp
Classification: Uncertain significance for Hypertrophic cardiomyopathy. Last evaluated: 2022-03-26. Review status: criteria provided, single submitter. Criteria: Invitae Variant Classification Sherloc (09022015). Collection method: clinical testing. Allele origin: germline.
Comment: In summary, the available evidence is currently insufficient to determine the role of this variant in disease. Therefore, it has been classified as a Variant of Uncertain Significance. Algorithms developed to predict the effect of missense changes on protein structure and function are either unavailable or do not agree on the potential impact of this missense change (SIFT: "Deleterious"; PolyPhen-2: "Probably Damaging"; Align-GVGD: "Class C0"). This missense change has been observed in individual(s) with dilated cardiomyopathy (PMID: 30871747). This variant is not present in population databases (gnomAD no frequency). This sequence change replaces valine, which is neutral and non-polar, with phenylalanine, which is neutral and non-polar, at codon 1875 of the MYH7 protein (p.Val1875Phe).

Literature cited by the submitters: PubMed 30871747.

NM_000257.4(MYH7):c.5623G>T (p.Val1875Phe)

Gene: MYH7 (myosin heavy chain 7; minus strand). Cytogenetic location: 14q11.2.
Variant type: single nucleotide variant.
Coding change: c.5623G>T on transcript NM_000257.4 (MANE Select); coding-DNA position 5623, G replaced by T.
Protein change: p.Val1875Phe; replaces valine 1875 with phenylalanine.
Molecular consequence: missense variant.
Genome position (GRCh38, 1-based): chr14:23,414,039, C>A on the plus strand (G>T on the coding strand, the complement: MYH7 is on the minus strand). VCF-style: chr14-23414039-C-A. GRCh37 (hg19) VCF-style: chr14-23883248-C-A.
Other names: short protein forms V1875F.
Identifiers: ClinVar variation 1443855 (VCV001443855.6), dbSNP rs2138635884, ClinGen allele CA389034842.